The following is an entry in ClinVar:

ClinVar aggregate classification (germline): Likely benign. Review status: criteria provided, multiple submitters, no conflicts (2 of 4 stars). 2 submissions from 2 submitters: Likely benign (2). Last evaluated 2026-01-12.

Conditions:
TBC1D32-related disorder. Also called: TBC1D32-related condition.

Allele frequency attached by ClinVar (database versions not stated): gnomAD exomes 0.00047 and 0.00028; ExAC 0.00050; 1000 Genomes Project 0.00080; 1000 Genomes Project 30x 0.00109; gnomAD 0.00006 and 0.00022; TOPMed 0.00007; ESP Exome Variant Server 0.00017.
gnomAD v4.1: 435 of 1,611,118 alleles (0.027%); highest among the groups gnomAD compares: South Asian, 0.36%; 3 homozygotes.

Submissions (2):

Labcorp Genetics (formerly Invitae), Labcorp
Classification: Likely benign. Last evaluated: 2026-01-12. Review status: criteria provided, single submitter. Criteria: Invitae Variant Classification Sherloc (09022015). Collection method: clinical testing. Allele origin: germline.

PreventionGenetics, part of Exact Sciences
Classification: Likely benign for TBC1D32-related condition. Last evaluated: 2025-07-14. Review status: criteria provided, single submitter. Criteria: ACMG Guidelines, 2015. Collection method: clinical testing. Allele origin: germline.
Comment: This variant is classified as likely benign based on ACMG/AMP sequence variant interpretation guidelines (Richards et al. 2015 PMID: 25741868, with internal and published modifications).

NM_152730.6(TBC1D32):c.3088G>T (p.Ala1030Ser)

Gene: TBC1D32 (TBC1 domain family member 32; minus strand). Cytogenetic location: 6q22.31.
Variant type: single nucleotide variant.
Coding change: c.3088G>T on transcript NM_152730.6 (MANE Select); coding-DNA position 3088, G replaced by T.
Protein change: p.Ala1030Ser; replaces alanine 1030 with serine.
Molecular consequence: missense variant. On other transcripts: non-coding transcript variant (1).
Genome position (GRCh38, 1-based): chr6:121,113,143, C>A on the plus strand (G>T on the coding strand, the complement: TBC1D32 is on the minus strand). VCF-style: chr6-121113143-C-A. GRCh37 (hg19) VCF-style: chr6-121434289-C-A.
Other names: c.3211G>T, p.Ala1071Ser (NM_001367759.1, NM_001367760.1); c.3088G>T (NM_152730.5); short protein forms A1030S, A1071S.
Identifiers: ClinVar variation 1587392 (VCV001587392.9), dbSNP rs369614039, ClinGen allele CA3980534.